The following is an entry in ClinVar:

ClinVar aggregate classification (germline): Uncertain significance. Review status: criteria provided, multiple submitters, no conflicts (2 of 4 stars). 3 submissions from 3 submitters: Uncertain significance (3). Last evaluated 2025-09-26.

Conditions:
Hereditary nonpolyposis colorectal neoplasms. Identifiers: MedGen C0009405, MeSH D003123.
Hereditary cancer-predisposing syndrome. Also called: Tumor predisposition; Hereditary Cancer Syndrome; Hereditary neoplastic syndrome; Neoplastic Syndromes, Hereditary. Identifiers: Orphanet 140162, MedGen C0027672, MeSH D009386, MONDO:0015356.

Allele frequency attached by ClinVar (database versions not stated): TOPMed below 0.00001.

Submissions (3):

Ambry Genetics
Classification: Uncertain significance for Hereditary cancer-predisposing syndrome. Last evaluated: 2025-09-26. Review status: criteria provided, single submitter. Criteria: Ambry Variant Classification Scheme 2023. Collection method: clinical testing. Allele origin: germline.
Comment: The p.K189R variant (also known as c.566A>G), located in coding exon 3 of the MSH6 gene, results from an A to G substitution at nucleotide position 566. The lysine at codon 189 is replaced by arginine, an amino acid with highly similar properties. This amino acid position is not well conserved in available vertebrate species. In addition, this alteration is predicted to be tolerated by in silico analysis. Since supporting evidence is limited at this time, the clinical significance of this alteration remains unclear.

Quest Diagnostics Nichols Institute San Juan Capistrano
Classification: Uncertain significance. Last evaluated: 2022-10-28. Review status: criteria provided, single submitter. Criteria: Quest Diagnostics criteria. Collection method: clinical testing. Allele origin: unknown.
Comment: The variant has not been reported in the published literature. It also has not been reported in large, multi-ethnic general populations. Analysis of this variant using bioinformatics tools for the prediction of the effect of amino acid changes on protein structure and function yielded predictions that this variant is benign. Based on the available information, we are unable to determine the clinical significance of this variant.

Labcorp Genetics (formerly Invitae), Labcorp
Classification: Uncertain significance for Hereditary nonpolyposis colorectal neoplasms. Last evaluated: 2022-05-21. Review status: criteria provided, single submitter. Criteria: Invitae Variant Classification Sherloc (09022015). Collection method: clinical testing. Allele origin: germline.
Comment: This variant has not been reported in the literature in individuals affected with MSH6-related conditions. In summary, the available evidence is currently insufficient to determine the role of this variant in disease. Therefore, it has been classified as a Variant of Uncertain Significance. Advanced modeling of protein sequence and biophysical properties (such as structural, functional, and spatial information, amino acid conservation, physicochemical variation, residue mobility, and thermodynamic stability) performed at Invitae indicates that this missense variant is not expected to disrupt MSH6 protein function. ClinVar contains an entry for this variant (Variation ID: 410416). This variant is not present in population databases (gnomAD no frequency). This sequence change replaces lysine, which is basic and polar, with arginine, which is basic and polar, at codon 189 of the MSH6 protein (p.Lys189Arg).

NM_000179.3(MSH6):c.566A>G (p.Lys189Arg)

Gene: MSH6 (mutS homolog 6; plus strand). Cytogenetic location: 2p16.3.
Variant type: single nucleotide variant.
Coding change: c.566A>G on transcript NM_000179.3 (MANE Select); coding-DNA position 566, A replaced by G.
Protein change: p.Lys189Arg; replaces lysine 189 with arginine.
Molecular consequence: missense variant. On other transcripts: 5 prime UTR variant (1), intron variant (2).
Genome position (GRCh38, 1-based): chr2:47,796,002, A>G. VCF-style: chr2-47796002-A-G. GRCh37 (hg19) VCF-style: chr2-48023141-A-G.
Other names: c.-337A>G (NM_001281494.2); c.-279-2609A>G (NM_001281493.2); c.238-2609A>G (NM_001281492.2); short protein forms K189R.
Identifiers: ClinVar variation 410416 (VCV000410416.17), dbSNP rs1060502889, ClinGen allele CA16610919.
Genomic context (GRCh38, chr2:47,796,002, plus strand): 5'-AGCCTGAAATACTGAGAGCAATGCAACGTGCAGATGAAGCCTTAAATAAAGACAAGATTA[A>G]GAGGCTTGAATTGGCAGTTTGTGATGAGCCCTCAGAGCCAGAAGAGGAAGAAGAGATGGA-3'
Protein context (NP_000170.1, residues 179-199): ADEALNKDKI[Lys189Arg]RLELAVCDEP